The following is an entry in ClinVar:

ClinVar aggregate classification (germline): Pathogenic (1 of 4 stars; one submission).

Submission:

GeneDx
Classification: Pathogenic. Last evaluated: 2015-12-11. Review status: criteria provided, single submitter. Criteria: GeneDx Variant Classification (06012015). Collection method: clinical testing. Allele origin: germline. Affected: yes.
Comment: The G870V pathogenic variant in the COL2A1 gene has not been reported previously as a pathogenic variant nor as a benign variant, to our knowledge. The G870V variant occurs in the triple helical domain and replaces the Glycine in the canonical Gly-X-Y repeat. Mutations in these Glycines result in poor winding of the collagen triple helix and a less functional protein. It was not observed in approximately 6500 individuals of European and African American ancestry in the NHLBI Exome Sequencing Project, indicating it is not a common benign variant in these populations. The G870V variant is a conservative amino acid substitution and occurs at a position that is conserved across species. In silico analysis predicts this variant is probably damaging to the protein structure/function. Missense variants in the same (G870E) and nearby (G861V and G873R) Glycine residues have been reported in the Human Gene Mutation Database in association with COL2A1-related skeletal dysplasias (Stenson et al., 2014), supporting the functional importance of the Glycine residues in this region of the protein. We interpret G870V as a pathogenic variant.

NM_001844.5(COL2A1):c.2609G>T (p.Gly870Val)

Gene: COL2A1 (collagen type II alpha 1 chain; minus strand). Cytogenetic location: 12q13.11.
Variant type: single nucleotide variant.
Coding change: c.2609G>T on transcript NM_001844.5 (MANE Select); coding-DNA position 2609, G replaced by T.
Protein change: p.Gly870Val; replaces glycine 870 with valine.
Molecular consequence: missense variant.
Genome position (GRCh38, 1-based): chr12:47,980,570, C>A on the plus strand (G>T on the coding strand, the complement: COL2A1 is on the minus strand). VCF-style: chr12-47980570-C-A. GRCh37 (hg19) VCF-style: chr12-48374353-C-A.
Other names: c.2402G>T, p.Gly801Val (NM_033150.3); short protein forms G870V, G801V.
Identifiers: ClinVar variation 280175 (VCV000280175.2), dbSNP rs886041429, ClinGen allele CA10603147.